The following is an entry in ClinVar:

ClinVar aggregate classification (germline): Pathogenic (1 of 4 stars; one submission).

Submission:

GeneDx
Classification: Pathogenic. Last evaluated: 2015-09-24. Review status: criteria provided, single submitter. Criteria: GeneDx Variant Classification (06012015). Collection method: clinical testing. Allele origin: germline. Affected: yes.
Comment: The L49F pathogenic variant in the HPRT1 gene has been reported previously in association with Lesch-Nyhan syndrome and deficient HPRT enzyme activity (de Gemmis et al., 2010; Fu et al., 2013). The L49F variant was not observed in approximately 6500 individuals of European and African American ancestry in the NHLBI Exome Sequencing Project, indicating it is not a common benign variant in these populations. The L49F variant is a conservative amino acid substitution, which occurs at a position that is conserved across species. Missense variants at the same residue (L49R) and in nearby residues (E47V, E47G, R48C, R48H, A50T, A50D, A50P, A50V) have been reported in the Human Gene Mutation Database in association with HPRT1-related disorders (Fu et al., 2013; Stenson et al., 2014), supporting the functional importance of this region of the protein. We interpret L49F as a pathogenic variant.

NM_000194.3(HPRT1):c.145C>T (p.Leu49Phe)

Gene: HPRT1 (hypoxanthine phosphoribosyltransferase 1; plus strand). Cytogenetic location: Xq26.2.
Variant type: single nucleotide variant.
Coding change: c.145C>T on transcript NM_000194.3 (MANE Select); coding-DNA position 145, C replaced by T.
Protein change: p.Leu49Phe; replaces leucine 49 with phenylalanine.
Molecular consequence: missense variant.
Genome position (GRCh38, 1-based): chrX:134,475,191, C>T. VCF-style: chrX-134475191-C-T. GRCh37 (hg19) VCF-style: chrX-133609221-C-T.
Other names: short protein forms L49F.
Identifiers: ClinVar variation 279979 (VCV000279979.2), dbSNP rs886041298, ClinGen allele CA10603407.